The following is an entry in ClinVar:

ClinVar aggregate classification (germline): Uncertain significance. Review status: criteria provided, multiple submitters, no conflicts (2 of 4 stars). 4 submissions from 4 submitters: Uncertain significance (4). Last evaluated 2022-08-23.

Conditions:
Hyper-IgE recurrent infection syndrome 3, autosomal recessive. Also called: Autosomal recessive hyper-IgE syndrome due to ZNF341 deficiency; HYPER-IgE SYNDROME 3, AUTOSOMAL RECESSIVE, WITH RECURRENT INFECTIONS. Identifiers: Orphanet 641368, MedGen C4748969, MONDO:0032654, OMIM 618282.

Allele frequency attached by ClinVar (database versions not stated): gnomAD exomes 0.00010 and 0.00004; ExAC 0.00011; gnomAD 0.00033 and 0.00034; 1000 Genomes Project 30x 0.00047; 1000 Genomes Project 0.00060; ESP Exome Variant Server 0.00031; TOPMed 0.00032.
gnomAD v4.1: 105 of 1,577,272 alleles (0.0067%); highest among the groups gnomAD compares: African/African-American, 0.12%; no homozygotes.

Submissions (4):

Labcorp Genetics (formerly Invitae), Labcorp
Classification: Uncertain significance. Last evaluated: 2022-08-23. Review status: criteria provided, single submitter. Criteria: Invitae Variant Classification Sherloc (09022015). Collection method: clinical testing. Allele origin: germline.
Comment: This sequence change replaces alanine, which is neutral and non-polar, with threonine, which is neutral and polar, at codon 304 of the ZNF341 protein (p.Ala304Thr). This variant is present in population databases (rs201763709, gnomAD 0.1%). This variant has not been reported in the literature in individuals affected with ZNF341-related conditions. ClinVar contains an entry for this variant (Variation ID: 1031001). Algorithms developed to predict the effect of missense changes on protein structure and function output the following: SIFT: "Tolerated"; PolyPhen-2: "Benign"; Align-GVGD: "Class C0". The threonine amino acid residue is found in multiple mammalian species, which suggests that this missense change does not adversely affect protein function. In summary, the available evidence is currently insufficient to determine the role of this variant in disease. Therefore, it has been classified as a Variant of Uncertain Significance.

Ambry Genetics
Classification: Uncertain significance. Last evaluated: 2021-08-02. Review status: criteria provided, single submitter. Criteria: Ambry Variant Classification Scheme 2023. Collection method: clinical testing. Allele origin: germline.

Baylor Genetics
Classification: Uncertain significance for Hyper-IgE recurrent infection syndrome 3, autosomal recessive. Last evaluated: 2020-07-06. Review status: criteria provided, single submitter. Criteria: ACMG Guidelines, 2015. Collection method: clinical testing. Allele origin: unknown. Affected: yes.
Comment: This variant was determined to be of uncertain significance according to ACMG Guidelines, 2015 [PMID:25741868].

Breakthrough Genomics
Classification: Uncertain significance. Review status: criteria provided, single submitter. Criteria: ACMG Guidelines, 2015. Collection method: not provided. Allele origin: germline. Inheritance: Autosomal dominant inheritance. Affected: yes.

NM_001282933.2(ZNF341):c.910G>A (p.Ala304Thr)

Gene: ZNF341 (zinc finger protein 341; plus strand). Cytogenetic location: 20q11.22.
Variant type: single nucleotide variant.
Coding change: c.910G>A on transcript NM_001282933.2 (MANE Select); coding-DNA position 910, G replaced by A.
Protein change: p.Ala304Thr; replaces alanine 304 with threonine.
Molecular consequence: missense variant. On other transcripts: non-coding transcript variant (1).
Genome position (GRCh38, 1-based): chr20:33,757,316, G>A. VCF-style: chr20-33757316-G-A. GRCh37 (hg19) VCF-style: chr20-32345122-G-A.
Other names: c.640G>A, p.Ala214Thr (NM_001282935.2); c.910G>A, p.Ala304Thr (NM_032819.5); short protein forms A304T, A214T.
Identifiers: ClinVar variation 1031001 (VCV001031001.6), dbSNP rs201763709, ClinGen allele CA9819306.